The following is an entry in ClinVar:

ClinVar aggregate classification (germline): Uncertain significance (1 of 4 stars; one submission).

Allele frequency attached by ClinVar (database versions not stated): gnomAD exomes below 0.00001; TOPMed below 0.00001; ExAC 0.00001; gnomAD 0.00002.
gnomAD v4.1: 4 of 1,612,832 alleles (0.00025%); highest among the groups gnomAD compares: African/African-American, 0.004%; no homozygotes.

Submission:

Labcorp Genetics (formerly Invitae), Labcorp
Classification: Uncertain significance. Last evaluated: 2022-08-23. Review status: criteria provided, single submitter. Criteria: Invitae Variant Classification Sherloc (09022015). Collection method: clinical testing. Allele origin: germline.
Comment: This sequence change replaces alanine, which is neutral and non-polar, with serine, which is neutral and polar, at codon 299 of the ASNS protein (p.Ala299Ser). The frequency data for this variant in the population databases is considered unreliable, as metrics indicate poor data quality at this position in the gnomAD database. This variant has not been reported in the literature in individuals affected with ASNS-related conditions. Advanced modeling of protein sequence and biophysical properties (such as structural, functional, and spatial information, amino acid conservation, physicochemical variation, residue mobility, and thermodynamic stability) performed at Invitae indicates that this missense variant is expected to disrupt ASNS protein function. In summary, the available evidence is currently insufficient to determine the role of this variant in disease. Therefore, it has been classified as a Variant of Uncertain Significance.

NM_001673.5(ASNS):c.895G>T (p.Ala299Ser)

Genes: ASNS (asparagine synthetase (glutamine-hydrolyzing); minus strand), CZ1P-ASNS (CZ1P-ASNS readthrough; minus strand). Cytogenetic location: 7q21.3.
Variant type: single nucleotide variant.
Coding change: c.895G>T on transcript NM_001673.5 (MANE Select); coding-DNA position 895, G replaced by T.
Protein change: p.Ala299Ser; replaces alanine 299 with serine.
Molecular consequence: missense variant. On other transcripts: non-coding transcript variant (1).
Genome position (GRCh38, 1-based): chr7:97,858,286, C>A on the plus strand (G>T on the coding strand, the complement: ASNS is on the minus strand). VCF-style: chr7-97858286-C-A. GRCh37 (hg19) VCF-style: chr7-97487598-C-A.
Other names: c.832G>T, p.Ala278Ser (NM_001178075.2); c.646G>T, p.Ala216Ser (NM_001178076.2, NM_001178077.1); c.895G>T, p.Ala299Ser (NM_001352496.2, NM_133436.3, NM_183356.4); short protein forms A278S, A299S, A216S.
Identifiers: ClinVar variation 2043742 (VCV002043742.1), dbSNP rs755301767, ClinGen allele CA4354658.